The following is an entry in ClinVar:

NM_019109.5(ALG1):c.946G>C (p.Val316Leu)

Gene: ALG1 (ALG1 chitobiosyldiphosphodolichol beta-mannosyltransferase; plus strand). Cytogenetic location: 16p13.3.
Variant type: single nucleotide variant.
Coding change: c.946G>C on transcript NM_019109.5 (MANE Select); coding-DNA position 946, G replaced by C.
Protein change: p.Val316Leu; replaces valine 316 with leucine.
Molecular consequence: missense variant.
Genome position (GRCh38, 1-based): chr16:5,079,792, G>C. VCF-style: chr16-5079792-G-C. GRCh37 (hg19) VCF-style: chr16-5129793-G-C.
Other names: c.613G>C, p.Val205Leu (NM_001330504.2); short protein forms V205L, V316L.
Identifiers: ClinVar variation 2132610 (VCV002132610.1), dbSNP rs150272167, ClinGen allele CA7890119.
Genomic context (GRCh38, chr16:5,079,792, plus strand): 5'-CTTTTTCTAAACACAGAGTTTGAACAACTGACTCTTGATGGACACAACCTTCCTTCTCTC[G>C]TCTGTGTGATAACAGGTACTGCCTGGGACCCTGGGTGTCTGTTTGGTTGGGGGATGGCGG-3'
Protein context (NP_061982.3, residues 306-326): TLDGHNLPSL[Val316Leu]CVITGKGPLR

ClinVar aggregate classification (germline): Uncertain significance (1 of 4 stars; one submission).

Conditions:
ALG1-congenital disorder of glycosylation. Also called: CDG Ik; ALG1-CDG; CONGENITAL DISORDER OF GLYCOSYLATION, TYPE Ik. Identifiers: Orphanet 79327, MedGen C2931005, MONDO:0012052, OMIM 608540.

gnomAD v4.1: 2 of 1,611,530 alleles (0.00012%); highest among the groups gnomAD compares: African/African-American, 0.0027%; no homozygotes.

Submission:

Labcorp Genetics (formerly Invitae), Labcorp
Classification: Uncertain significance for ALG1-congenital disorder of glycosylation. Last evaluated: 2022-05-03. Review status: criteria provided, single submitter. Criteria: Invitae Variant Classification Sherloc (09022015). Collection method: clinical testing. Allele origin: germline.
Comment: This sequence change replaces valine, which is neutral and non-polar, with leucine, which is neutral and non-polar, at codon 316 of the ALG1 protein (p.Val316Leu). This variant is not present in population databases (gnomAD no frequency). This variant has not been reported in the literature in individuals affected with ALG1-related conditions. Advanced modeling of protein sequence and biophysical properties (such as structural, functional, and spatial information, amino acid conservation, physicochemical variation, residue mobility, and thermodynamic stability) performed at Invitae indicates that this missense variant is not expected to disrupt ALG1 protein function. In summary, the available evidence is currently insufficient to determine the role of this variant in disease. Therefore, it has been classified as a Variant of Uncertain Significance.